The following is an entry in ClinVar:

NM_147127.5(EVC2):c.1006-288T>G

Gene: EVC2 (EvC ciliary complex subunit 2; minus strand). Cytogenetic location: 4p16.2.
Variant type: single nucleotide variant.
Coding change: c.1006-288T>G on transcript NM_147127.5 (MANE Select); 288 bases into the intron before coding-DNA position 1006, T replaced by G.
Molecular consequence: intron variant.
Genome position (GRCh38, 1-based): chr4:5,663,534, A>C on the plus strand (T>G on the coding strand, the complement: EVC2 is on the minus strand). VCF-style: chr4-5663534-A-C. GRCh37 (hg19) VCF-style: chr4-5665261-A-C.
Other names: c.766-288T>G (NM_001166136.2).
Identifiers: ClinVar variation 667870 (VCV000667870.1), dbSNP rs4689274, ClinGen allele CA11900150.
Genomic context (GRCh38, chr4:5,663,534, plus strand): 5'-GGGTAAAGTGGAACAATGGACAGAAAGAACTTTTCAGCCTGTAAGACCTATAAACTATTT[A>C]ACTATCATCATCTTTATCATTATCAGGTAGAGGAAACCTCAAAACAGGTATGATGGACCT-3'

ClinVar aggregate classification (germline): Benign (1 of 4 stars; one submission).

Allele frequency attached by ClinVar (database versions not stated): 1000 Genomes Project 0.75140; 1000 Genomes Project 30x 0.75375; gnomAD 0.77754 and 0.78514; TOPMed 0.78063.
gnomAD v4.1: 118,200 of 152,198 alleles (78%); highest among the groups gnomAD compares: African/African-American, 88%; 46,353 homozygotes.

Submission:

GeneDx
Classification: Benign. Last evaluated: 2018-06-14. Review status: criteria provided, single submitter. Criteria: GeneDx Variant Classification (06012015). Collection method: clinical testing. Allele origin: germline. Affected: yes.
Comment: This variant is considered likely benign or benign based on one or more of the following criteria: it is a conservative change, it occurs at a poorly conserved position in the protein, it is predicted to be benign by multiple in silico algorithms, and/or has population frequency not consistent with disease.